The following is an entry in ClinVar:

NM_000136.3(FANCC):c.463T>A (p.Leu155Ile)

Gene: FANCC (FA complementation group C; minus strand). Cytogenetic location: 9q22.32.
Variant type: single nucleotide variant.
Coding change: c.463T>A on transcript NM_000136.3 (MANE Select); coding-DNA position 463, T replaced by A.
Protein change: p.Leu155Ile; replaces leucine 155 with isoleucine.
Molecular consequence: missense variant.
Genome position (GRCh38, 1-based): chr9:95,171,137, A>T on the plus strand (T>A on the coding strand, the complement: FANCC is on the minus strand). VCF-style: chr9-95171137-A-T. GRCh37 (hg19) VCF-style: chr9-97933419-A-T.
Other names: c.463T>A, p.Leu155Ile (NM_001243743.2, NM_001243744.2); short protein forms L155I.
Identifiers: ClinVar variation 3230385 (VCV003230385.1), dbSNP rs2135579789, ClinGen allele CA374338665.

ClinVar aggregate classification (germline): Uncertain significance (1 of 4 stars; one submission).

Conditions:
Hereditary cancer-predisposing syndrome. Also called: Neoplastic Syndromes, Hereditary; Tumor predisposition; Hereditary neoplastic syndrome; Hereditary Cancer Syndrome. Identifiers: Orphanet 140162, MedGen C0027672, MeSH D009386, MONDO:0015356.

Submission:

Ambry Genetics
Classification: Uncertain significance for Hereditary cancer-predisposing syndrome. Last evaluated: 2023-12-18. Review status: criteria provided, single submitter. Criteria: Ambry Variant Classification Scheme 2023. Collection method: clinical testing. Allele origin: germline.
Comment: The p.L155I variant (also known as c.463T>A), located in coding exon 5 of the FANCC gene, results from a T to A substitution at nucleotide position 463. The leucine at codon 155 is replaced by isoleucine, an amino acid with highly similar properties. This amino acid position is conserved. In addition, this alteration is predicted to be tolerated by in silico analysis. Since supporting evidence is limited at this time, the clinical significance of this alteration remains unclear.